The following is an entry in ClinVar:

ClinVar aggregate classification (germline): Benign. Review status: criteria provided, single submitter (1 of 4 stars). 2 submissions from 2 submitters: Benign (1). 1 of the submissions does not count toward it. Last evaluated 2026-01-03.

Conditions:
BMPER-related disorder. Also called: BMPER-related condition.

Submissions (2):

Labcorp Genetics (formerly Invitae), Labcorp
Classification: Benign. Last evaluated: 2026-01-03. Review status: criteria provided, single submitter. Criteria: Invitae Variant Classification Sherloc (09022015). Collection method: clinical testing. Allele origin: germline.

PreventionGenetics, part of Exact Sciences
Classification: Likely benign for BMPER-related condition. Last evaluated: 2019-03-22. Review status: no assertion criteria provided. Collection method: clinical testing. Allele origin: germline. Not counted in ClinVar's aggregate classification.
Comment: This variant is classified as likely benign based on ACMG/AMP sequence variant interpretation guidelines (Richards et al. 2015 PMID: 25741868, with internal and published modifications).

NM_001365308.1(BMPER):c.403-11_403-10del

Gene: BMPER (BMP binding endothelial regulator; plus strand). Cytogenetic location: 7p14.3.
Variant type: Deletion.
Coding change: c.403-11_403-10del on transcript NM_001365308.1 (MANE Select); 11 bases into the intron before coding-DNA position 403 through 10 bases into the intron before coding-DNA position 403, 2 bases deleted (CT; older notation c.403-11_403-10delCT).
Molecular consequence: intron variant.
Genome position (GRCh38, 1-based): chr7:33,970,318-33,970,319, CT deleted; deleting any 2 consecutive bases within chr7:33,970,317-33,970,319 gives the same sequence; the c. name uses the placement nearest the transcript's 3' end. VCF-style (leftmost placement, unchanged base first): chr7-33970316-TTC-T. GRCh37 (hg19) VCF-style: chr7-34009928-TTC-T.
Other names: c.403-11_403-10delCT (NM_133468.4); c.403-11_403-10del (NM_133468.5).
Identifiers: ClinVar variation 1563951 (VCV001563951.10), dbSNP rs561194354, ClinGen allele CA4215058.